The following is an entry in ClinVar:

NM_134261.3(RORA):c.1167C>T (p.Asp389=)

Genes: RORA (RAR related orphan receptor A; minus strand), RORA-AS1 (RORA antisense RNA 1; plus strand). Cytogenetic location: 15q22.2.
Variant type: single nucleotide variant.
Coding change: c.1167C>T on transcript NM_134261.3 (MANE Select); coding-DNA position 1167, C replaced by T.
Protein change: p.Asp389=; no amino-acid change (aspartic acid 389 retained).
Molecular consequence: synonymous variant.
Genome position (GRCh38, 1-based): chr15:60,502,776, G>A on the plus strand (C>T on the coding strand, the complement: RORA is on the minus strand). VCF-style: chr15-60502776-G-A. GRCh37 (hg19) VCF-style: chr15-60794975-G-A.
Other names: c.1242C>T, p.Asp414= (NM_002943.4); c.1266C>T, p.Asp422= (NM_134260.3); c.1002C>T, p.Asp334= (NM_134262.3).
Identifiers: ClinVar variation 4822221 (VCV004822221.5).
Genomic context (GRCh38, chr15:60,502,776, plus strand): 5'-CTATAGCCCTGATTTGAAGAAAAGGCACCTTGATATCCCCTTACCTAAGGATTTGAAGAC[G>A]TCGGGGCTGGCATACTTCCCATCAAAGTACACGGTGTTGTTCTGAGAGTCAAAGGCACGG-3'
Protein context (NP_599023.1, residues 379-399): VYFDGKYASP[Asp389=]VFKSLGCEDF

ClinVar aggregate classification (germline): Likely benign. Review status: criteria provided, multiple submitters, no conflicts (2 of 4 stars). 2 submissions from 2 submitters: Likely benign (2). Last evaluated 2026-01-01.

gnomAD v4.1: 51 of 1,611,880 alleles (0.0032%); highest among the groups gnomAD compares: East Asian, 0.013%; no homozygotes.

Submissions (2):

CeGaT Center for Human Genetics Tuebingen
Classification: Likely benign. Last evaluated: 2026-01-01. Review status: criteria provided, single submitter. Criteria: CeGaT Center For Human Genetics Tuebingen Variant Classification Criteria Version 2. Collection method: clinical testing. Allele origin: germline. Affected: yes. Observed: 1 variant allele.
Comment: RORA: BP4, BP7

Blueprint Genetics
Classification: Likely benign. Last evaluated: 2023-10-06. Review status: criteria provided, single submitter. Criteria: ACMG Guidelines, 2015. Collection method: clinical testing. Allele origin: germline.